The following is an entry in ClinVar:

NM_020693.4(DSCAML1):c.5248C>G (p.Leu1750Val)

Gene: DSCAML1 (DS cell adhesion molecule like 1; minus strand). Cytogenetic location: 11q23.3.
Variant type: single nucleotide variant.
Coding change: c.5248C>G on transcript NM_020693.4 (MANE Select); coding-DNA position 5248, C replaced by G.
Protein change: p.Leu1750Val; replaces leucine 1750 with valine.
Molecular consequence: missense variant.
Genome position (GRCh38, 1-based): chr11:117,431,660, G>C on the plus strand (C>G on the coding strand, the complement: DSCAML1 is on the minus strand). VCF-style: chr11-117431660-G-C. GRCh37 (hg19) VCF-style: chr11-117302376-G-C.
Other names: short protein forms L1750V.
Identifiers: ClinVar variation 2416838 (VCV002416838.6), dbSNP rs142917523, ClinGen allele CA6296121.

ClinVar aggregate classification (germline): Uncertain significance (1 of 4 stars; one submission).

Allele frequency attached by ClinVar (database versions not stated): gnomAD 0.00001; TOPMed 0.00001; ExAC 0.00003; gnomAD exomes 0.00004; ESP Exome Variant Server 0.00008.
gnomAD v4.1: 52 of 1,612,834 alleles (0.0032%); highest among the groups gnomAD compares: Non-Finnish European, 0.0042%; no homozygotes.

Submission:

Labcorp Genetics (formerly Invitae), Labcorp
Classification: Uncertain significance. Last evaluated: 2023-05-20. Review status: criteria provided, single submitter. Criteria: Invitae Variant Classification Sherloc (09022015). Collection method: clinical testing. Allele origin: germline.
Comment: This sequence change replaces leucine, which is neutral and non-polar, with valine, which is neutral and non-polar, at codon 1810 of the DSCAML1 protein (p.Leu1810Val). This variant is present in population databases (rs142917523, gnomAD 0.01%). This variant has not been reported in the literature in individuals affected with DSCAML1-related conditions. ClinVar contains an entry for this variant (Variation ID: 2416838). An algorithm developed to predict the effect of missense changes on protein structure and function (PolyPhen-2) suggests that this variant is likely to be disruptive. In summary, the available evidence is currently insufficient to determine the role of this variant in disease. Therefore, it has been classified as a Variant of Uncertain Significance.